The following is an entry in ClinVar:

ClinVar aggregate classification (germline): Pathogenic (1 of 4 stars; one submission).

Conditions:
Cohen syndrome (COH1). Also called: Cutis verticis gyrata, retinitis pigmentosa, and sensorineural deafness; PEPPER SYNDROME. Identifiers: Orphanet 193, MedGen C0265223, MONDO:0008999, OMIM 216550.

Submission:

Labcorp Genetics (formerly Invitae), Labcorp
Classification: Pathogenic for Cohen syndrome. Last evaluated: 2022-11-01. Review status: criteria provided, single submitter. Criteria: Invitae Variant Classification Sherloc (09022015). Collection method: clinical testing. Allele origin: germline.
Comment: For these reasons, this variant has been classified as Pathogenic. Algorithms developed to predict the effect of sequence changes on RNA splicing suggest that this variant may disrupt the consensus splice site. ClinVar contains an entry for this variant (Variation ID: 1377977). This variant has not been reported in the literature in individuals affected with VPS13B-related conditions. This variant is not present in population databases (gnomAD no frequency). This sequence change creates a premature translational stop signal (p.Trp1154*) in the VPS13B gene. It is expected to result in an absent or disrupted protein product. Loss-of-function variants in VPS13B are known to be pathogenic (PMID: 15141358, 16648375, 20461111).

Literature cited by the submitters: PubMed 15141358; PubMed 16648375; PubMed 20461111.

NM_152564.5(VPS13B):c.3461G>A (p.Trp1154Ter)

Gene: VPS13B (vacuolar protein sorting 13 homolog B; plus strand). Cytogenetic location: 8q22.2.
Variant type: single nucleotide variant.
Coding change: c.3461G>A on transcript NM_152564.5 (MANE Select); coding-DNA position 3461, G replaced by A.
Protein change: p.Trp1154Ter; replaces tryptophan 1154 with a stop codon.
Molecular consequence: nonsense.
Genome position (GRCh38, 1-based): chr8:99,467,429, G>A. VCF-style: chr8-99467429-G-A. GRCh37 (hg19) VCF-style: chr8-100479657-G-A.
Other names: c.3461G>A, p.Trp1154Ter (NM_017890.5); short protein forms W1154*.
Identifiers: ClinVar variation 1377977 (VCV001377977.6), dbSNP rs2133510708, ClinGen allele CA371865928.
Genomic context (GRCh38, chr8:99,467,429, plus strand): 5'-TTTTTGTTTGTGTGCTTCCCTATTCCCTTTTATCCCCTATATCAGGTGATGCTTTTCCTT[G>A]GACGATCAGCTTGCATAATTTCAGCATATATACCCTTCTTGGAAAACAAGTGACACTTTG-3'